The following is an entry in ClinVar:

ClinVar aggregate classification (germline): Pathogenic. Review status: reviewed by expert panel (3 of 4 stars). 2 submissions from 2 submitters: Pathogenic (1). 1 of the submissions does not count toward it. Last evaluated 2016-09-08.

Conditions:
Breast-ovarian cancer, familial, susceptibility to, 2 (BROVCA2). Also called: BRCA2 Hereditary Breast and Ovarian Cancer. Identifiers: Orphanet 145, MedGen C2675520, MONDO:0012933, OMIM 612555. Disease mechanism: loss of function.

Submissions (2):

Evidence-based Network for the Interpretation of Germline Mutant Alleles (ENIGMA)
Classification: Pathogenic for Breast-ovarian cancer, familial, susceptibility to, 2. Last evaluated: 2016-09-08. Review status: reviewed by expert panel. Criteria: ENIGMA BRCA1/2 Classification Criteria (2015). Collection method: curation. Allele origin: germline.
Comment: Variant allele predicted to encode a truncated non-functional protein.

Sharing Clinical Reports Project (SCRP)
Classification: Pathogenic for Breast-ovarian cancer, familial 2. Last evaluated: 2011-04-18. Review status: no assertion criteria provided. Collection method: clinical testing. Allele origin: germline. Not counted in ClinVar's aggregate classification.

NM_000059.4(BRCA2):c.2325del (p.Lys776fs)

Gene: BRCA2 (BRCA2 DNA repair associated; plus strand). Cytogenetic location: 13q13.1.
Variant type: Deletion.
Coding change: c.2325del on transcript NM_000059.4 (MANE Select); coding-DNA position 2325, one base deleted (C; older notation c.2325delC).
Protein change: p.Lys776fs; shifts the reading frame from lysine 776.
Molecular consequence: frameshift variant.
Genome position (GRCh38, 1-based): chr13:32,336,680, C deleted; the last of 2 consecutive C bases (chr13:32,336,679-32,336,680); deleting either gives the same sequence. VCF-style (leftmost placement, unchanged base first): chr13-32336678-TC-T. GRCh37 (hg19) VCF-style: chr13-32910815-TC-T.
Other names: 2552delC; c.2325delC (NM_000059.3); short protein forms K776fs.
Identifiers: ClinVar variation 254501 (VCV000254501.2), dbSNP rs397507284, ClinGen allele CA014948.